The following is an entry in ClinVar:

ClinVar aggregate classification (germline): Uncertain significance (1 of 4 stars; one submission).

Submission:

Labcorp Genetics (formerly Invitae), Labcorp
Classification: Uncertain significance. Last evaluated: 2024-11-07. Review status: criteria provided, single submitter. Criteria: Invitae Variant Classification Sherloc (09022015). Collection method: clinical testing. Allele origin: germline.
Comment: This sequence change replaces leucine, which is neutral and non-polar, with glutamine, which is neutral and polar, at codon 53 of the HOXB13 protein (p.Leu53Gln). This variant is not present in population databases (gnomAD no frequency). This variant has not been reported in the literature in individuals affected with HOXB13-related conditions. An algorithm developed to predict the effect of missense changes on protein structure and function (PolyPhen-2) suggests that this variant is likely to be disruptive. In summary, the available evidence is currently insufficient to determine the role of this variant in disease. Therefore, it has been classified as a Variant of Uncertain Significance.

NM_006361.6(HOXB13):c.158T>A (p.Leu53Gln)

Gene: HOXB13 (homeobox B13; minus strand). Cytogenetic location: 17q21.32.
Variant type: single nucleotide variant.
Coding change: c.158T>A on transcript NM_006361.6 (MANE Select); coding-DNA position 158, T replaced by A.
Protein change: p.Leu53Gln; replaces leucine 53 with glutamine.
Molecular consequence: missense variant.
Genome position (GRCh38, 1-based): chr17:48,728,436, A>T on the plus strand (T>A on the coding strand, the complement: HOXB13 is on the minus strand). VCF-style: chr17-48728436-A-T. GRCh37 (hg19) VCF-style: chr17-46805798-A-T.
Other names: short protein forms L53Q.
Identifiers: ClinVar variation 3724851 (VCV003724851.2).